The following is an entry in ClinVar:

NM_014915.3(ANKRD26):c.3937G>C (p.Glu1313Gln)

Gene: ANKRD26 (ankyrin repeat domain 26; minus strand). Cytogenetic location: 10p12.1.
Variant type: single nucleotide variant.
Coding change: c.3937G>C on transcript NM_014915.3 (MANE Select); coding-DNA position 3937, G replaced by C.
Protein change: p.Glu1313Gln; replaces glutamic acid 1313 with glutamine.
Molecular consequence: missense variant.
Genome position (GRCh38, 1-based): chr10:27,028,887, C>G on the plus strand (G>C on the coding strand, the complement: ANKRD26 is on the minus strand). VCF-style: chr10-27028887-C-G. GRCh37 (hg19) VCF-style: chr10-27317816-C-G.
Other names: c.3934G>C, p.Glu1312Gln (NM_001256053.2); short protein forms E1312Q, E1313Q.
Identifiers: ClinVar variation 1901540 (VCV001901540.5), dbSNP rs2538694118, ClinGen allele CA376360142.
Genomic context (GRCh38, chr10:27,028,887, plus strand): 5'-GACAGAAATTAAGTGGCTGACTTACCAAATTTGCATTTAACAGGTTTTTCTGAAGCTCCT[C>G]AATTTTGTCCATTTGCTTTTTGACTGTAACTTTTAACTTGGCATTATCTTTTTCAAGCCT-3'
Protein context (NP_055730.2, residues 1303-1323): VTVKKQMDKI[Glu1313Gln]ELQKNLLNAN

ClinVar aggregate classification (germline): Uncertain significance (1 of 4 stars; one submission).

Submission:

Labcorp Genetics (formerly Invitae), Labcorp
Classification: Uncertain significance. Last evaluated: 2025-10-06. Review status: criteria provided, single submitter. Criteria: Invitae Variant Classification Sherloc (09022015). Collection method: clinical testing. Allele origin: germline.
Comment: This sequence change replaces glutamic acid, which is acidic and polar, with glutamine, which is neutral and polar, at codon 1313 of the ANKRD26 protein (p.Glu1313Gln). This variant is not present in population databases (gnomAD no frequency). This variant has not been reported in the literature in individuals affected with ANKRD26-related conditions. ClinVar contains an entry for this variant (Variation ID: 1901540). An algorithm developed to predict the effect of missense changes on protein structure and function (PolyPhen-2) suggests that this variant is likely to be disruptive. In summary, the available evidence is currently insufficient to determine the role of this variant in disease. Therefore, it has been classified as a Variant of Uncertain Significance.